The following is an entry in ClinVar:

NM_000414.4(HSD17B4):c.588G>A (p.Ala196=)

Gene: HSD17B4 (hydroxysteroid 17-beta dehydrogenase 4; plus strand). Cytogenetic location: 5q23.1.
Variant type: single nucleotide variant.
Coding change: c.588G>A on transcript NM_000414.4 (MANE Select); coding-DNA position 588, G replaced by A.
Protein change: p.Ala196=; no amino-acid change (alanine 196 retained).
Molecular consequence: synonymous variant. On other transcripts: non-coding transcript variant (2).
Genome position (GRCh38, 1-based): chr5:119,478,987, G>A. VCF-style: chr5-119478987-G-A. GRCh37 (hg19) VCF-style: chr5-118814682-G-A.
Other names: c.663G>A, p.Ala221= (NM_001199291.3); c.534G>A, p.Ala178= (NM_001199292.2); c.516G>A, p.Ala172= (NM_001292027.2); c.168G>A, p.Ala56= (NM_001292028.2); c.579G>A, p.Ala193= (NM_001374497.1); c.588G>A, p.Ala196= (NM_001374498.1); c.261G>A, p.Ala87= (NM_001374499.1); c.147G>A, p.Ala49= (NM_001374500.1); and 2 more.
Identifiers: ClinVar variation 1453438 (VCV001453438.10), dbSNP rs748937758, ClinGen allele CA3381884.

ClinVar aggregate classification (germline): Conflicting classifications of pathogenicity. Review status: criteria provided, conflicting classifications (1 of 4 stars). 3 submissions from 3 submitters: Uncertain significance (1); Likely benign (2). Last evaluated 2026-08-25.

Conditions:
HSD17B4-related disorder. Also called: HSD17B4-related disorders; HSD17B4-related condition.
Bifunctional peroxisomal enzyme deficiency (DBIF). Also called: DBP DEFICIENCY; D-bifunctional protein deficiency; PBFE DEFICIENCY. Identifiers: Orphanet 300, MedGen C0342870, MONDO:0009855, OMIM 261515. Disease mechanism: loss of function.
Perrault syndrome. Also called: Gonadal dysgenesis with auditory dysfunction, autosomal recessive inheritance. Identifiers: Orphanet 2855, MedGen C0685838, MONDO:0017312.

Allele frequency attached by ClinVar (database versions not stated): TOPMed below 0.00001; ExAC 0.00005; gnomAD exomes 0.00005 and 0.00013; gnomAD 0.00011 and 0.00013.
gnomAD v4.1: 83 of 1,613,438 alleles (0.0051%); highest among the groups gnomAD compares: South Asian, 0.0077%; 1 homozygote.

Submissions (3):

PreventionGenetics, part of Exact Sciences
Classification: Likely benign for HSD17B4-related condition. Last evaluated: 2026-08-25. Review status: criteria provided, single submitter. Criteria: ACMG Guidelines, 2015. Collection method: clinical testing. Allele origin: germline.
Comment: This variant is classified as likely benign based on ACMG/AMP sequence variant interpretation guidelines (Richards et al. 2015 PMID: 25741868, with internal and published modifications).

Labcorp Genetics (formerly Invitae), Labcorp
Classification: Likely benign for Perrault syndrome; Bifunctional peroxisomal enzyme deficiency. Last evaluated: 2024-06-25. Review status: criteria provided, single submitter. Criteria: Invitae Variant Classification Sherloc (09022015). Collection method: clinical testing. Allele origin: germline.

Blueprint Genetics
Classification: Uncertain significance. Last evaluated: 2023-11-10. Review status: criteria provided, single submitter. Criteria: ACMG Guidelines, 2015. Collection method: clinical testing. Allele origin: germline.